The following is an entry in ClinVar:

ClinVar aggregate classification (germline): Uncertain significance. Review status: criteria provided, multiple submitters, no conflicts (2 of 4 stars). 2 submissions from 2 submitters: Uncertain significance (2). Last evaluated 2026-06-06.

Conditions:
Familial thoracic aortic aneurysm and aortic dissection (TAAD). Also called: Thoracic aortic aneurysms and dissections. Identifiers: Orphanet 91387, MedGen C4707243, MONDO:0019625.
FG syndrome (FGS). Identifiers: MedGen C0220769, MONDO:0002010.

Submissions (2):

Ambry Genetics
Classification: Uncertain significance for Familial thoracic aortic aneurysm and aortic dissection. Last evaluated: 2026-06-06. Review status: criteria provided, single submitter. Criteria: Ambry Variant Classification Scheme 2023. Collection method: clinical testing. Allele origin: germline.
Comment: The p.L2010P variant (also known as c.6029T>C), located in coding exon 41 of the MED12 gene, results from a T to C substitution at nucleotide position 6029. The leucine at codon 2010 is replaced by proline, an amino acid with similar properties. This amino acid position is conserved. In addition, this alteration is predicted to be tolerated by in silico analysis. Based on the available evidence, the clinical significance of this variant remains unclear.

Labcorp Genetics (formerly Invitae), Labcorp
Classification: Uncertain significance for FG syndrome. Last evaluated: 2023-02-01. Review status: criteria provided, single submitter. Criteria: Invitae Variant Classification Sherloc (09022015). Collection method: clinical testing. Allele origin: germline.
Comment: This variant has not been reported in the literature in individuals affected with MED12-related conditions. This variant is not present in population databases (gnomAD no frequency). This sequence change replaces leucine, which is neutral and non-polar, with proline, which is neutral and non-polar, at codon 2010 of the MED12 protein (p.Leu2010Pro). In summary, the available evidence is currently insufficient to determine the role of this variant in disease. Therefore, it has been classified as a Variant of Uncertain Significance. Advanced modeling of protein sequence and biophysical properties (such as structural, functional, and spatial information, amino acid conservation, physicochemical variation, residue mobility, and thermodynamic stability) performed at Invitae indicates that this missense variant is not expected to disrupt MED12 protein function.

NM_005120.3(MED12):c.6029T>C (p.Leu2010Pro)

Gene: MED12 (mediator complex subunit 12; plus strand). Cytogenetic location: Xq13.1.
Variant type: single nucleotide variant.
Coding change: c.6029T>C on transcript NM_005120.3 (MANE Select); coding-DNA position 6029, T replaced by C.
Protein change: p.Leu2010Pro; replaces leucine 2010 with proline.
Molecular consequence: missense variant.
Genome position (GRCh38, 1-based): chrX:71,137,928, T>C. VCF-style: chrX-71137928-T-C. GRCh37 (hg19) VCF-style: chrX-70357778-T-C.
Other names: c.6029T>C (NM_005120.2); short protein forms L2010P.
Identifiers: ClinVar variation 3003126 (VCV003003126.4), dbSNP rs2519715877, ClinGen allele CA413539598.
Genomic context (GRCh38, chrX:71,137,928, plus strand): 5'-ACCTGCAACAGCGGCCCAGTGGCTATGTGCACCAGCAGGCCCCCACCTATGGACATGGAC[T>C]GACCTCCACTCAAAGGTACCCAAAGTAGTGGTGAGCTAGGAAGAGATGCAGAGGTATAAG-3'
Protein context (NP_005111.2, residues 2000-2020): HQQAPTYGHG[Leu2010Pro]TSTQRFSHQT